The following is an entry in ClinVar:

NM_206933.4(USH2A):c.7379G>A (p.Arg2460His)

Gene: USH2A (usherin; minus strand). Cytogenetic location: 1q41.
Variant type: single nucleotide variant.
Coding change: c.7379G>A on transcript NM_206933.4 (MANE Select); coding-DNA position 7379, G replaced by A.
Protein change: p.Arg2460His; replaces arginine 2460 with histidine.
Molecular consequence: missense variant.
Genome position (GRCh38, 1-based): chr1:215,900,827, C>T on the plus strand (G>A on the coding strand, the complement: USH2A is on the minus strand). VCF-style: chr1-215900827-C-T. GRCh37 (hg19) VCF-style: chr1-216074169-C-T.
Other names: short protein forms R2460H.
Identifiers: ClinVar variation 1297564 (VCV001297564.7), dbSNP rs368681648, ClinGen allele CA1394865.

ClinVar aggregate classification (germline): Uncertain significance. Review status: criteria provided, multiple submitters, no conflicts (2 of 4 stars). 7 submissions from 6 submitters: Uncertain significance (5). 2 of the submissions do not count toward it. Last evaluated 2024-10-02.

Conditions:
Usher syndrome type 2A. Also called: RETINAL DISEASE IN USHER SYNDROME TYPE IIA, MODIFIER OF; USHER SYNDROME, TYPE IIA. Identifiers: Orphanet 231178, Orphanet 886, MedGen C1848634, MONDO:0010169, OMIM 276901.
Retinitis pigmentosa 39 (RP39). Identifiers: Orphanet 791, MedGen C3151138, MONDO:0013436, OMIM 613809.

Allele frequency attached by ClinVar (database versions not stated): ExAC 0.00007; ESP Exome Variant Server 0.00008; TOPMed 0.00009; gnomAD exomes 0.00010.
gnomAD v4.1: 164 of 1,613,692 alleles (0.01%); highest among the groups gnomAD compares: Non-Finnish European, 0.012%; no homozygotes.

Submissions (7):

Blueprint Genetics
Classification: Uncertain significance. Last evaluated: 2024-10-02. Review status: criteria provided, single submitter. Criteria: ACMG Guidelines, 2015. Collection method: clinical testing. Allele origin: germline.

Genome-Nilou Lab
Classification: Uncertain significance for Retinitis pigmentosa 39. Last evaluated: 2023-11-04. Review status: criteria provided, single submitter. Criteria: ACMG Guidelines, 2015. Collection method: clinical testing. Allele origin: germline. Affected: no.

Genome-Nilou Lab
Classification: Uncertain significance for Usher syndrome type 2A. Last evaluated: 2023-11-04. Review status: criteria provided, single submitter. Criteria: ACMG Guidelines, 2015. Collection method: clinical testing. Allele origin: germline. Affected: no.

Labcorp Genetics (formerly Invitae), Labcorp
Classification: Uncertain significance. Last evaluated: 2022-08-20. Review status: criteria provided, single submitter. Criteria: Invitae Variant Classification Sherloc (09022015). Collection method: clinical testing. Allele origin: germline.
Comment: This sequence change replaces arginine, which is basic and polar, with histidine, which is basic and polar, at codon 2460 of the USH2A protein (p.Arg2460His). This variant is present in population databases (rs368681648, gnomAD 0.01%). This missense change has been observed in individual(s) with retinitis pigmentosa (PMID: 22334370). ClinVar contains an entry for this variant (Variation ID: 1297564). Algorithms developed to predict the effect of missense changes on protein structure and function output the following: SIFT: "Deleterious"; PolyPhen-2: "Benign"; Align-GVGD: "Class C25". The histidine amino acid residue is found in multiple mammalian species, which suggests that this missense change does not adversely affect protein function. In summary, the available evidence is currently insufficient to determine the role of this variant in disease. Therefore, it has been classified as a Variant of Uncertain Significance.

Fulgent Genetics
Classification: Uncertain significance for Usher syndrome type 2A; Retinitis pigmentosa 39. Last evaluated: 2021-12-30. Review status: criteria provided, single submitter. Criteria: ACMG Guidelines, 2015. Collection method: clinical testing. Allele origin: unknown.

Clinical Genetics DNA and cytogenetics Diagnostics Lab, Erasmus MC, Erasmus Medical Center
Classification: Uncertain significance. Review status: no assertion criteria provided. Collection method: clinical testing. Allele origin: germline. Affected: yes. Study: VKGL Data-share Consensus. Not counted in ClinVar's aggregate classification.

Joint Genome Diagnostic Labs from Nijmegen and Maastricht, Radboudumc and MUMC+
Classification: Uncertain significance. Review status: no assertion criteria provided. Collection method: clinical testing. Allele origin: germline. Affected: yes. Study: VKGL Data-share Consensus. Not counted in ClinVar's aggregate classification.

Literature cited by the submitters: PubMed 22334370 (cited by Labcorp Genetics (formerly Invitae), Labcorp).